The following is an entry in ClinVar:

NC_000013.10:g.(32954283_32968825)_(32969071_32971034)del

Gene: BRCA2 (BRCA2 DNA repair associated; plus strand). Cytogenetic location: 13q13.1.
Variant type: Deletion.
Identifiers: ClinVar variation 2682201 (VCV002682201.1).

ClinVar aggregate classification (germline): Pathogenic (1 of 4 stars; one submission).

Conditions:
Hereditary breast ovarian cancer syndrome. Also called: Hereditary breast and ovarian cancer syndrome; Hereditary breast and ovarian cancer syndrome (HBOC); BRCA1- and BRCA2-Associated Hereditary Breast and Ovarian Cancer; Hereditary breast and ovarian cancer; Breast and ovarian cancer; Hereditary breast and/or ovarian cancer syndrome. Identifiers: Orphanet 145, MedGen C0677776, MeSH D061325, MONDO:0003582. Disease mechanism: loss of function.

Submission:

Women's Health and Genetics/Laboratory Corporation of America, LabCorp
Classification: Pathogenic for Hereditary breast ovarian cancer syndrome. Last evaluated: 2023-11-21. Review status: criteria provided, single submitter. Criteria: LabCorp Variant Classification Summary - May 2015. Collection method: clinical testing. Allele origin: germline.
Comment: Variant summary: The variant involves the deletion of exon 25 in the BRCA2 gene. A presumed nomenclature of c.(9256+1_9257-1)_(9501+1_9502-1)del has been designated for the purposes of this classification. This Copy Number Variant (CNV) is expected to alter the reading frame and is predicted to result in a truncation or absence of the encoded protein due to nonsense mediated decay (NMD). The variant was absent in 21688 control chromosomes (gnomAD, structural variants dataset). c.(9256+1_9257-1)_(9501+1_9502-1)del has been reported in the literature as a pathogenic variant in at least one individual undergoing BRCA1/2 testing for Hereditary Breast And Ovarian Cancer Syndrome (e.g. Palmero_2018). To our knowledge, no experimental evidence demonstrating an impact on protein function has been reported .The following publication has been ascertained in the context of this evaluation (PMID: 29907814). No submitters have cited clinical-significance assessments for this variant to ClinVar after 2014. Based on the evidence outlined above, the variant was classified as pathogenic.

Literature cited by the submitters: PubMed 29907814.